The following is an entry in ClinVar:

NM_001271.4(CHD2):c.1637_1638del (p.Thr546fs)

Gene: CHD2 (chromodomain helicase DNA binding protein 2; plus strand). Cytogenetic location: 15q26.1.
Variant type: Deletion.
Coding change: c.1637_1638del on transcript NM_001271.4 (MANE Select); coding-DNA positions 1637 to 1638, 2 bases deleted (CC; older notation c.1637_1638delCC).
Protein change: p.Thr546fs; shifts the reading frame from threonine 546.
Molecular consequence: frameshift variant.
Genome position (GRCh38, 1-based): chr15:92,953,491-92,953,492, CC deleted. VCF-style (leftmost placement, unchanged base first): chr15-92953490-ACC-A. GRCh37 (hg19) VCF-style: chr15-93496720-ACC-A.
Other names: short protein forms T546fs.
Identifiers: ClinVar variation 1429540 (VCV001429540.6), dbSNP rs2141811616, ClinGen allele CA2573151324.

ClinVar aggregate classification (germline): Pathogenic (1 of 4 stars; one submission).

Conditions:
Developmental and epileptic encephalopathy 94 (DEE94). Also called: CHD2-Related Neurodevelopmental Disorders; Epileptic encephalopathy, childhood-onset. Identifiers: Orphanet 1942, Orphanet 2382, MedGen C3809278, MONDO:0014150, OMIM 615369.

Submission:

Labcorp Genetics (formerly Invitae), Labcorp
Classification: Pathogenic for Developmental and epileptic encephalopathy 94. Last evaluated: 2021-05-31. Review status: criteria provided, single submitter. Criteria: Invitae Variant Classification Sherloc (09022015). Collection method: clinical testing. Allele origin: germline.
Comment: This sequence change creates a premature translational stop signal (p.Thr546Ilefs*7) in the CHD2 gene. It is expected to result in an absent or disrupted protein product. Loss-of-function variants in CHD2 are known to be pathogenic (PMID: 23708187, 24207121). This variant is not present in population databases (ExAC no frequency). This variant has not been reported in the literature in individuals with CHD2-related conditions. For these reasons, this variant has been classified as Pathogenic.

Literature cited by the submitters: PubMed 23708187; PubMed 24207121.